The following is an entry in ClinVar:

NM_001379500.1(COL18A1):c.107-12338T>C

Gene: COL18A1 (collagen type XVIII alpha 1 chain; plus strand). Cytogenetic location: 21q22.3.
Variant type: single nucleotide variant.
Coding change: c.107-12338T>C on transcript NM_001379500.1 (MANE Select); 12338 bases into the intron before coding-DNA position 107, T replaced by C.
Molecular consequence: intron variant. On other transcripts: missense variant (2).
Genome position (GRCh38, 1-based): chr21:45,455,904, T>C. VCF-style: chr21-45455904-T-C. GRCh37 (hg19) VCF-style: chr21-46875818-T-C.
Other names: c.374T>C, p.Val125Ala (NM_030582.4, NM_130444.3); short protein forms V125A.
Identifiers: ClinVar variation 2030051 (VCV002030051.1), dbSNP rs570051194, ClinGen allele CA10065459.

ClinVar aggregate classification (germline): Uncertain significance (1 of 4 stars; one submission).

Allele frequency attached by ClinVar (database versions not stated): TOPMed below 0.00001; gnomAD 0.00002; gnomAD exomes 0.00004; ExAC 0.00009; 1000 Genomes Project 30x 0.00016; 1000 Genomes Project 0.00020.
gnomAD v4.1: 58 of 1,613,012 alleles (0.0036%); highest among the groups gnomAD compares: South Asian, 0.064%; 1 homozygote.

Submission:

Labcorp Genetics (formerly Invitae), Labcorp
Classification: Uncertain significance. Last evaluated: 2022-03-12. Review status: criteria provided, single submitter. Criteria: Invitae Variant Classification Sherloc (09022015). Collection method: clinical testing. Allele origin: germline.
Comment: The COL18A1 gene has multiple clinically relevant transcripts. This variant occurs in alternate transcript NM_030582.4, and corresponds to NM_130445.3:c.107-12338T>C in the primary transcript. This sequence change replaces valine, which is neutral and non-polar, with alanine, which is neutral and non-polar, at codon 125 of the COL18A1 protein (p.Val125Ala). This variant is present in population databases (rs570051194, gnomAD 0.06%). This variant has not been reported in the literature in individuals affected with COL18A1-related conditions. Experimental studies and prediction algorithms are not available or were not evaluated, and the functional significance of this variant is currently unknown. In summary, the available evidence is currently insufficient to determine the role of this variant in disease. Therefore, it has been classified as a Variant of Uncertain Significance.